The following is an entry in ClinVar:

NM_021076.4(NEFH):c.587A>G (p.Glu196Gly)

Gene: NEFH (neurofilament heavy chain; plus strand). Cytogenetic location: 22q12.2.
Variant type: single nucleotide variant.
Coding change: c.587A>G on transcript NM_021076.4 (MANE Select); coding-DNA position 587, A replaced by G.
Protein change: p.Glu196Gly; replaces glutamic acid 196 with glycine.
Molecular consequence: missense variant.
Genome position (GRCh38, 1-based): chr22:29,480,849, A>G. VCF-style: chr22-29480849-A-G. GRCh37 (hg19) VCF-style: chr22-29876838-A-G.
Other names: short protein forms E196G.
Identifiers: ClinVar variation 3404117 (VCV003404117.2).
Genomic context (GRCh38, chr22:29,480,849, plus strand): 5'-AGGACATCGCGCACGTGCGCCAGCGCCTAGACGACGAGGCCCGGCAGCGAGAGGAGGCCG[A>G]GGCGGCGGCCCGCGCGCTGGCGCGCTTCGCGCAGGAGGCCGAGGCGGCGCGCGTGGACCT-3'
Protein context (NP_066554.2, residues 186-206): DDEARQREEA[Glu196Gly]AAARALARFA

ClinVar aggregate classification (germline): Uncertain significance. Review status: criteria provided, multiple submitters, no conflicts (2 of 4 stars). 2 submissions from 2 submitters: Uncertain significance (2). Last evaluated 2025-09-08.

Conditions:
Inborn genetic diseases. Identifiers: MedGen C0950123, MeSH D030342.

gnomAD v4.1: 1 of 1,394,786 alleles (0.000072%); highest among the groups gnomAD compares: Non-Finnish European, 0.000092%; no homozygotes.

Submissions (2):

Labcorp Genetics (formerly Invitae), Labcorp
Classification: Uncertain significance. Last evaluated: 2025-09-08. Review status: criteria provided, single submitter. Criteria: Invitae Variant Classification Sherloc (09022015). Collection method: clinical testing. Allele origin: germline.
Comment: This sequence change replaces glutamic acid, which is acidic and polar, with glycine, which is neutral and non-polar, at codon 196 of the NEFH protein (p.Glu196Gly). This variant is not present in population databases (gnomAD no frequency). This missense change has been observed in individual(s) with clinical features of NEFH-related conditions (internal data). ClinVar contains an entry for this variant (Variation ID: 3404117). Invitae Evidence Modeling of protein sequence and biophysical properties (such as structural, functional, and spatial information, amino acid conservation, physicochemical variation, residue mobility, and thermodynamic stability) indicates that this missense variant is not expected to disrupt NEFH protein function with a negative predictive value of 95%. In summary, the available evidence is currently insufficient to determine the role of this variant in disease. Therefore, it has been classified as a Variant of Uncertain Significance.

Ambry Genetics
Classification: Uncertain significance for Inborn genetic diseases. Last evaluated: 2024-09-26. Review status: criteria provided, single submitter. Criteria: Ambry Variant Classification Scheme 2023. Collection method: clinical testing. Allele origin: germline.